The following is an entry in ClinVar:

NM_014714.4(IFT140):c.422C>T (p.Thr141Met)

Genes: IFT140 (intraflagellar transport 140; minus strand), LOC105371046 (uncharacterized LOC105371046; plus strand). Cytogenetic location: 16p13.3.
Variant type: single nucleotide variant.
Coding change: c.422C>T on transcript NM_014714.4 (MANE Select); coding-DNA position 422, C replaced by T.
Protein change: p.Thr141Met; replaces threonine 141 with methionine.
Molecular consequence: missense variant.
Genome position (GRCh38, 1-based): chr16:1,592,536, G>A on the plus strand (C>T on the coding strand, the complement: IFT140 is on the minus strand). VCF-style: chr16-1592536-G-A. GRCh37 (hg19) VCF-style: chr16-1642537-G-A.
Other names: short protein forms T141M.
Identifiers: ClinVar variation 318214 (VCV000318214.47), dbSNP rs527332087, ClinGen allele CA10637285.
Genomic context (GRCh38, chr16:1,592,536, plus strand): 5'-GGGGGGAGCCGGAAGATGCAGTGCGTGAGGTGTTTCCCATACTCGTGTTTCAGCAGAGGC[G>A]TCCCTTGCACTCGGCCCCTTTGGTCCAACCTCCACAAGAGCAAGACACCAAGCTGGAAAG-3'
Protein context (NP_055529.2, residues 131-151): RLDQRGRVQG[Thr141Met]PLLKHEYGKH

ClinVar aggregate classification (germline): Uncertain significance. Review status: criteria provided, multiple submitters, no conflicts (2 of 4 stars). 4 submissions from 4 submitters: Uncertain significance (4). Last evaluated 2024-10-07.

Conditions:
Saldino-Mainzer syndrome (SRTD9). Also called: CONORENAL SYNDROME; SHORT-RIB THORACIC DYSPLASIA 9 WITHOUT POLYDACTYLY; short-rib thoracic dysplasia 9 with or without polydactyly; Renal dysplasia, retinal pigmentary dystrophy, cerebellar ataxia and skeletal dysplasia. Identifiers: Orphanet 140969, MedGen C1849437, MONDO:0009964, OMIM 266920.

Allele frequency attached by ClinVar (database versions not stated): gnomAD exomes below 0.00001 and 0.00001; gnomAD 0.00001.
gnomAD v4.1: 11 of 1,614,116 alleles (0.00068%); highest among the groups gnomAD compares: South Asian, 0.0011%; no homozygotes.

Submissions (4):

Labcorp Genetics (formerly Invitae), Labcorp
Classification: Uncertain significance for Saldino-Mainzer syndrome. Last evaluated: 2024-10-07. Review status: criteria provided, single submitter. Criteria: Invitae Variant Classification Sherloc (09022015). Collection method: clinical testing. Allele origin: germline.
Comment: This sequence change replaces threonine, which is neutral and polar, with methionine, which is neutral and non-polar, at codon 141 of the IFT140 protein (p.Thr141Met). This variant is present in population databases (rs527332087, gnomAD 0.004%). This variant has not been reported in the literature in individuals affected with IFT140-related conditions. ClinVar contains an entry for this variant (Variation ID: 318214). Invitae Evidence Modeling of protein sequence and biophysical properties (such as structural, functional, and spatial information, amino acid conservation, physicochemical variation, residue mobility, and thermodynamic stability) indicates that this missense variant is not expected to disrupt IFT140 protein function with a negative predictive value of 95%. In summary, the available evidence is currently insufficient to determine the role of this variant in disease. Therefore, it has been classified as a Variant of Uncertain Significance.

Blueprint Genetics
Classification: Uncertain significance. Last evaluated: 2024-04-04. Review status: criteria provided, single submitter. Criteria: ACMG Guidelines, 2015. Collection method: clinical testing. Allele origin: germline.

CeGaT Center for Human Genetics Tuebingen
Classification: Uncertain significance. Last evaluated: 2020-02-01. Review status: criteria provided, single submitter. Criteria: CeGaT Center For Human Genetics Tuebingen Variant Classification Criteria Version 2. Collection method: clinical testing. Allele origin: germline. Affected: yes. Observed: 1 variant allele.

Illumina Laboratory Services, Illumina
Classification: Uncertain significance for Saldino-Mainzer syndrome. Last evaluated: 2018-01-13. Review status: criteria provided, single submitter. Criteria: ICSL Variant Classification Criteria 13 December 2019. Collection method: clinical testing. Allele origin: germline.